The following is an entry in ClinVar:

NM_003978.5(PSTPIP1):c.600G>C (p.Lys200Asn)

Gene: PSTPIP1 (proline-serine-threonine phosphatase interacting protein 1; plus strand). Cytogenetic location: 15q24.3.
Variant type: single nucleotide variant.
Coding change: c.600G>C on transcript NM_003978.5 (MANE Select); coding-DNA position 600, G replaced by C.
Protein change: p.Lys200Asn; replaces lysine 200 with asparagine.
Molecular consequence: missense variant.
Genome position (GRCh38, 1-based): chr15:77,030,539, G>C. VCF-style: chr15-77030539-G-C. GRCh37 (hg19) VCF-style: chr15-77322880-G-C.
Other names: c.600G>C, p.Lys200Asn (NM_001321135.2, NM_001411086.1); c.573G>C, p.Lys191Asn (NM_001321136.2); c.795G>C, p.Lys265Asn (NM_001321137.1); short protein forms K200N, K191N, K265N.
Identifiers: ClinVar variation 4771846 (VCV004771846.1).

ClinVar aggregate classification (germline): Uncertain significance (1 of 4 stars; one submission).

Conditions:
Pyogenic arthritis-pyoderma gangrenosum-acne syndrome (PAPA). Also called: FAMILIAL RECURRENT ARTHRITIS; PAPA SYNDROME. Identifiers: Orphanet 69126, MedGen C1858361, MONDO:0011462, OMIM 604416.

gnomAD v4.1: 1 of 1,612,098 alleles (0.000062%); highest among the groups gnomAD compares: Non-Finnish European, 0.000085%; no homozygotes.

Submission:

Labcorp Genetics (formerly Invitae), Labcorp
Classification: Uncertain significance for Pyogenic arthritis-pyoderma gangrenosum-acne syndrome. Last evaluated: 2025-03-18. Review status: criteria provided, single submitter. Criteria: Invitae Variant Classification Sherloc (09022015). Collection method: clinical testing. Allele origin: germline.
Comment: This sequence change replaces lysine, which is basic and polar, with asparagine, which is neutral and polar, at codon 200 of the PSTPIP1 protein (p.Lys200Asn). This variant is not present in population databases (gnomAD no frequency). This variant has not been reported in the literature in individuals affected with PSTPIP1-related conditions. Invitae Evidence Modeling of protein sequence and biophysical properties (such as structural, functional, and spatial information, amino acid conservation, physicochemical variation, residue mobility, and thermodynamic stability) indicates that this missense variant is not expected to disrupt PSTPIP1 protein function with a negative predictive value of 80%. In summary, the available evidence is currently insufficient to determine the role of this variant in disease. Therefore, it has been classified as a Variant of Uncertain Significance.